The following is an entry in ClinVar:

ClinVar aggregate classification (germline): Conflicting classifications of pathogenicity. Review status: criteria provided, conflicting classifications (1 of 4 stars). 2 submissions from 2 submitters: Uncertain significance (1); Benign (1). Last evaluated 2026-01-11.

Conditions:
Primary ciliary dyskinesia. Also called: Ciliary dyskinesia. Identifiers: Orphanet 244, MedGen C0008780, MONDO:0016575, HP:0012265.

Allele frequency attached by ClinVar (database versions not stated): gnomAD 0.00001; gnomAD exomes 0.00001; ExAC 0.00003.
gnomAD v4.1: 10 of 1,613,872 alleles (0.00062%); highest among the groups gnomAD compares: East Asian, 0.022%; no homozygotes.

Submissions (2):

Labcorp Genetics (formerly Invitae), Labcorp
Classification: Benign for Primary ciliary dyskinesia. Last evaluated: 2026-01-11. Review status: criteria provided, single submitter. Criteria: Invitae Variant Classification Sherloc (09022015). Collection method: clinical testing. Allele origin: germline.

Ambry Genetics
Classification: Uncertain significance for Primary ciliary dyskinesia. Last evaluated: 2025-01-13. Review status: criteria provided, single submitter. Criteria: Ambry Variant Classification Scheme 2023. Collection method: clinical testing. Allele origin: germline.
Comment: The p.N619T variant (also known as c.1856A>C), located in coding exon 14 of the DNAH5 gene, results from an A to C substitution at nucleotide position 1856. The asparagine at codon 619 is replaced by threonine, an amino acid with similar properties. This amino acid position is conserved. In addition, this alteration is predicted to be tolerated by in silico analysis. Based on the available evidence, the clinical significance of this variant remains unclear.

NM_001369.3(DNAH5):c.1856A>C (p.Asn619Thr)

Gene: DNAH5 (dynein axonemal heavy chain 5; minus strand). Cytogenetic location: 5p15.2.
Variant type: single nucleotide variant.
Coding change: c.1856A>C on transcript NM_001369.3 (MANE Select); coding-DNA position 1856, A replaced by C.
Protein change: p.Asn619Thr; replaces asparagine 619 with threonine.
Molecular consequence: missense variant.
Genome position (GRCh38, 1-based): chr5:13,901,448, T>G on the plus strand (A>C on the coding strand, the complement: DNAH5 is on the minus strand). VCF-style: chr5-13901448-T-G. GRCh37 (hg19) VCF-style: chr5-13901557-T-G.
Other names: c.1856A>C (NM_001369.2); short protein forms N619T.
Identifiers: ClinVar variation 2094777 (VCV002094777.5), dbSNP rs764337568, ClinGen allele CA3204728.